The following is an entry in ClinVar:

ClinVar aggregate classification (germline): Uncertain significance (1 of 4 stars; one submission).

Conditions:
Deficiency of butyryl-CoA dehydrogenase (ACADSD). Also called: SCAD Deficiency; ACADS DEFICIENCY; SCAD DEFICIENCY, MILD; SCADH DEFICIENCY; Short-Chain Acyl-CoA Dehydrogenase Deficiency; ACYL-CoA DEHYDROGENASE, SHORT-CHAIN, DEFICIENCY OF. Identifiers: Orphanet 26792, MedGen C0342783, MONDO:0008722, OMIM 201470. Disease mechanism: May be benign.

Submission:

3billion
Classification: Uncertain significance for Deficiency of butyryl-CoA dehydrogenase. Last evaluated: 2025-08-04. Review status: criteria provided, single submitter. Criteria: ACMG Guidelines, 2015. Collection method: clinical testing. Allele origin: germline. Affected: yes.
Comment: The variant is observed at an extremely low frequency in the gnomAD v4.1.0 dataset (total allele frequency: 0.002%). Predicted Consequence/Location: Missense variant Damaging effect on gene or gene product predicted by in silico programs is uncertain [REVEL: 0.51 (damaging >=0.6, benign <0.4), 3Cnet: 0.22 (damaging >0.75, benign <0.1)]. Therefore, this variant is classified as VUS according to the recommendation of ACMG/AMP guideline.

NM_000017.4(ACADS):c.1033G>T (p.Ala345Ser)

Gene: ACADS (acyl-CoA dehydrogenase short chain; plus strand). Cytogenetic location: 12q24.31.
Variant type: single nucleotide variant.
Coding change: c.1033G>T on transcript NM_000017.4 (MANE Select); coding-DNA position 1033, G replaced by T.
Protein change: p.Ala345Ser; replaces alanine 345 with serine.
Molecular consequence: missense variant.
Genome position (GRCh38, 1-based): chr12:120,739,143, G>T. VCF-style: chr12-120739143-G-T. GRCh37 (hg19) VCF-style: chr12-121176946-G-T.
Other names: c.1021G>T, p.Ala341Ser (NM_001302554.2); short protein forms A341S, A345S.
Identifiers: ClinVar variation 4855890 (VCV004855890.1).